The following is an entry in ClinVar:

ClinVar aggregate classification (germline): Uncertain significance (1 of 4 stars; one submission).

Allele frequency attached by ClinVar (database versions not stated): ExAC 0.00002; gnomAD 0.00003.
gnomAD v4.1: 17 of 1,613,688 alleles (0.0011%); highest among the groups gnomAD compares: African/African-American, 0.004%; no homozygotes.

Submission:

Labcorp Genetics (formerly Invitae), Labcorp
Classification: Uncertain significance. Last evaluated: 2022-10-17. Review status: criteria provided, single submitter. Criteria: Invitae Variant Classification Sherloc (09022015). Collection method: clinical testing. Allele origin: germline.
Comment: In summary, the available evidence is currently insufficient to determine the role of this variant in disease. Therefore, it has been classified as a Variant of Uncertain Significance. Algorithms developed to predict the effect of missense changes on protein structure and function are either unavailable or do not agree on the potential impact of this missense change (SIFT: "Deleterious"; PolyPhen-2: "Possibly Damaging"; Align-GVGD: "Class C0"). This variant has not been reported in the literature in individuals affected with DMXL2-related conditions. This variant is present in population databases (rs754547956, gnomAD 0.003%). This sequence change replaces arginine, which is basic and polar, with histidine, which is basic and polar, at codon 713 of the DMXL2 protein (p.Arg713His).

NM_001378457.1(DMXL2):c.2138G>A (p.Arg713His)

Gene: DMXL2 (Dmx like 2; minus strand). Cytogenetic location: 15q21.2.
Variant type: single nucleotide variant.
Coding change: c.2138G>A on transcript NM_001378457.1 (MANE Select); coding-DNA position 2138, G replaced by A.
Protein change: p.Arg713His; replaces arginine 713 with histidine.
Molecular consequence: missense variant. On other transcripts: non-coding transcript variant (2).
Genome position (GRCh38, 1-based): chr15:51,536,342, C>T on the plus strand (G>A on the coding strand, the complement: DMXL2 is on the minus strand). VCF-style: chr15-51536342-C-T. GRCh37 (hg19) VCF-style: chr15-51828539-C-T.
Other names: c.2138G>A, p.Arg713His (NM_001174116.3, NM_001174117.3, NM_001378458.1 and 6 more transcripts); c.1898G>A, p.Arg633His (NM_001378464.1); short protein forms R633H, R713H.
Identifiers: ClinVar variation 1904748 (VCV001904748.4), dbSNP rs754547956, ClinGen allele CA7562440.